The following is an entry in ClinVar:

ClinVar aggregate classification (germline): Likely pathogenic (1 of 4 stars; one submission).

Conditions:
X-linked central congenital hypothyroidism with late-onset testicular enlargement. Also called: Hypothyroidism, central, and testicular enlargement; HYPOTHYROIDISM, CENTRAL, WITH TESTICULAR ENLARGEMENT. Identifiers: Orphanet 329235, MedGen C3550963, MONDO:0010475, OMIM 300888.

Submission:

3billion
Classification: Likely pathogenic for X-linked central congenital hypothyroidism with late-onset testicular enlargement. Last evaluated: 2025-05-19. Review status: criteria provided, single submitter. Criteria: ACMG Guidelines, 2015. Collection method: clinical testing. Allele origin: germline. Affected: yes.
Comment: The variant is not observed in the gnomAD v4.1.0 dataset. Predicted Consequence/Location: Canonical splice site: predicted to alter splicing and result in a loss or disruption of normal protein function. Multiple pathogenic loss-of-function variants are reported downstream of the variant. In silico tools predict the variant to alter splicing and produce an abnormal transcript [SpliceAI: 0.94 (spliceogenicity >=0.2, non-spliceogenicity <0.1)]. Therefore, this variant is classified as Likely pathogenic according to the recommendation of ACMG/AMP guideline.

NM_001555.5(IGSF1):c.380-1G>A

Gene: IGSF1 (immunoglobulin superfamily member 1; minus strand). Cytogenetic location: Xq26.1.
Variant type: single nucleotide variant.
Coding change: c.380-1G>A on transcript NM_001555.5 (MANE Select); the canonical splice acceptor site of the intron before coding-DNA position 380, G replaced by A.
Molecular consequence: splice acceptor variant.
Genome position (GRCh38, 1-based): chrX:131,285,467, C>T on the plus strand (G>A on the coding strand, the complement: IGSF1 is on the minus strand). VCF-style: chrX-131285467-C-T. GRCh37 (hg19) VCF-style: chrX-130419441-C-T.
Other names: c.380-1G>A (NM_001438813.1, NM_001438812.1, NM_001438811.1 and 5 more transcripts); c.353-1G>A (NM_001170962.2).
Identifiers: ClinVar variation 4855233 (VCV004855233.1).
Genomic context (GRCh38, chrX:131,285,467, plus strand): 5'-TACACCCAGGAAGAGCGGGGGTCTCAGCCTGAATCCAGAAGATGGGCTTGGGCAGTTGGC[C>T]TGGAAGGATAGAATGAACTGGAATTAGGTAAAGCAAGGATAGTACTGTCTAGGGAGCAGC-3'